The following is an entry in ClinVar:

ClinVar aggregate classification (germline): Pathogenic. Review status: criteria provided, multiple submitters, no conflicts (2 of 4 stars). 3 submissions from 3 submitters: Pathogenic (2). 1 of the submissions does not count toward it. Last evaluated 2025-08-25.

Conditions:
Telangiectasia, hereditary hemorrhagic, type 2 (HHT2). Also called: Telangiectasia, hereditary hemorrhagic, type II; ACVRL1-Related Hereditary Hemorrhagic Telangiectasia. Identifiers: Orphanet 774, MedGen C1838163, MONDO:0010880, OMIM 600376. Disease mechanism: loss of function.
Pulmonary hypertension, primary, 1 (PPH1). Also called: Pulmonary hypertension, familial primary, 1, with or without HHT. Identifiers: Orphanet 422, MedGen C4552070, MONDO:0024533, OMIM 178600.

Submissions (3):

Labcorp Genetics (formerly Invitae), Labcorp
Classification: Pathogenic for Telangiectasia, hereditary hemorrhagic, type 2. Last evaluated: 2025-08-25. Review status: criteria provided, single submitter. Criteria: Invitae Variant Classification Sherloc (09022015). Collection method: clinical testing. Allele origin: germline.
Comment: This sequence change replaces arginine, which is basic and polar, with proline, which is neutral and non-polar, at codon 479 of the ACVRL1 protein (p.Arg479Pro). This variant is not present in population databases (gnomAD no frequency). This missense change has been observed in individual(s) with hereditary hemorrhagic telangiectasia or pulmonary arterial hypertension (PMID: 19555857, 20414677, 21158752, 29449337). ClinVar contains an entry for this variant (Variation ID: 426036). Invitae Evidence Modeling of protein sequence and biophysical properties (such as structural, functional, and spatial information, amino acid conservation, physicochemical variation, residue mobility, and thermodynamic stability) indicates that this missense variant is expected to disrupt ACVRL1 protein function with a positive predictive value of 95%. Algorithms developed to predict the effect of sequence changes on RNA splicing suggest that this variant may disrupt the consensus splice site. This variant disrupts the p.Arg479 amino acid residue in ACVRL1. Other variant(s) that disrupt this residue have been determined to be pathogenic (PMID: 16470787, 16705692, 21158752; internal data). This suggests that this residue is clinically significant, and that variants that disrupt this residue are likely to be disease-causing. For these reasons, this variant has been classified as Pathogenic.

Clinical Genetics Service, Universitary Hospital 12 de Octubre
Classification: Pathogenic for Telangiectasia, hereditary hemorrhagic, type 2. Review status: criteria provided, single submitter. Criteria: ACMG Guidelines, 2015. Collection method: clinical testing. Allele origin: germline. Affected: yes.

Rare Disease Genomics Group, St George's University of London
Classification: Pathogenic for Primary pulmonary hypertension. Review status: no assertion criteria provided. Collection method: literature only. Allele origin: germline. Affected: yes. Not counted in ClinVar's aggregate classification.

Literature cited by the submitters: PubMed 19555857 (cited by Labcorp Genetics (formerly Invitae), Labcorp and Rare Disease Genomics Group, St George's University of London); PubMed 20414677 (cited by Labcorp Genetics (formerly Invitae), Labcorp); PubMed 21158752 (cited by Labcorp Genetics (formerly Invitae), Labcorp); PubMed 29449337 (cited by Labcorp Genetics (formerly Invitae), Labcorp); PubMed 16470787 (cited by Labcorp Genetics (formerly Invitae), Labcorp); PubMed 16705692 (cited by Labcorp Genetics (formerly Invitae), Labcorp).

NM_000020.3(ACVRL1):c.1436G>C (p.Arg479Pro)

Gene: ACVRL1 (activin A receptor like type 1; plus strand). Cytogenetic location: 12q13.13.
Variant type: single nucleotide variant.
Coding change: c.1436G>C on transcript NM_000020.3 (MANE Select); coding-DNA position 1436, G replaced by C.
Protein change: p.Arg479Pro; replaces arginine 479 with proline.
Molecular consequence: missense variant.
Genome position (GRCh38, 1-based): chr12:51,920,817, G>C. VCF-style: chr12-51920817-G-C. GRCh37 (hg19) VCF-style: chr12-52314601-G-C.
Other names: c.1436G>C, p.Arg479Pro (NM_001077401.2); short protein forms R479P.
Identifiers: ClinVar variation 426036 (VCV000426036.11), dbSNP rs1085307426, ClinGen allele CA384905687.
Genomic context (GRCh38, chr12:51,920,817, plus strand): 5'-AGGTCCTCTCAGGCCTAGCTCAGATGATGCGGGAGTGCTGGTACCCAAACCCCTCTGCCC[G>C]ACTCACCGCGCTGCGGATCAAGAAGACACTACAAAAAATTAGCAACAGTCCAGAGAAGCC-3'
Protein context (NP_000011.2, residues 469-489): RECWYPNPSA[Arg479Pro]LTALRIKKTL